The following is an entry in ClinVar:

NM_014384.3(ACAD8):c.868G>A (p.Ala290Thr)

Gene: ACAD8 (acyl-CoA dehydrogenase family member 8; plus strand). Cytogenetic location: 11q25.
Variant type: single nucleotide variant.
Coding change: c.868G>A on transcript NM_014384.3 (MANE Select); coding-DNA position 868, G replaced by A.
Protein change: p.Ala290Thr; replaces alanine 290 with threonine.
Molecular consequence: missense variant.
Genome position (GRCh38, 1-based): chr11:134,261,301, G>A. VCF-style: chr11-134261301-G-A. GRCh37 (hg19) VCF-style: chr11-134131195-G-A.
Other names: short protein forms A290T.
Identifiers: ClinVar variation 2196367 (VCV002196367.4), dbSNP rs144566960, ClinGen allele CA6373121.

ClinVar aggregate classification (germline): Uncertain significance (1 of 4 stars; one submission).

Conditions:
Deficiency of isobutyryl-CoA dehydrogenase. Also called: IBD DEFICIENCY; ACAD8 DEFICIENCY; ACYL-CoA DEHYDROGENASE FAMILY, MEMBER 8, DEFICIENCY OF. Identifiers: Orphanet 79159, MedGen C1969809, MONDO:0012648, OMIM 611283.

Allele frequency attached by ClinVar (database versions not stated): TOPMed below 0.00001; ExAC 0.00001; gnomAD exomes 0.00001; ESP Exome Variant Server 0.00008.
gnomAD v4.1: 10 of 1,614,148 alleles (0.00062%); highest among the groups gnomAD compares: Middle Eastern, 0.016%; no homozygotes.

Submission:

Labcorp Genetics (formerly Invitae), Labcorp
Classification: Uncertain significance for Deficiency of isobutyryl-CoA dehydrogenase. Last evaluated: 2022-06-21. Review status: criteria provided, single submitter. Criteria: Invitae Variant Classification Sherloc (09022015). Collection method: clinical testing. Allele origin: germline.
Comment: This variant has not been reported in the literature in individuals affected with ACAD8-related conditions. In summary, the available evidence is currently insufficient to determine the role of this variant in disease. Therefore, it has been classified as a Variant of Uncertain Significance. Algorithms developed to predict the effect of missense changes on protein structure and function are either unavailable or do not agree on the potential impact of this missense change (SIFT: "Tolerated"; PolyPhen-2: "Possibly Damaging"; Align-GVGD: "Class C0"). This variant is present in population databases (rs144566960, gnomAD 0.003%). This sequence change replaces alanine, which is neutral and non-polar, with threonine, which is neutral and polar, at codon 290 of the ACAD8 protein (p.Ala290Thr).